The following is an entry in ClinVar:

NM_000052.7(ATP7A):c.2470A>T (p.Thr824Ser)

Gene: ATP7A (ATPase copper transporting alpha; plus strand). Cytogenetic location: Xq21.1.
Variant type: single nucleotide variant.
Coding change: c.2470A>T on transcript NM_000052.7 (MANE Select); coding-DNA position 2470, A replaced by T.
Protein change: p.Thr824Ser; replaces threonine 824 with serine.
Molecular consequence: missense variant.
Genome position (GRCh38, 1-based): chrX:78,014,725, A>T. VCF-style: chrX-78014725-A-T. GRCh37 (hg19) VCF-style: chrX-77270222-A-T.
Other names: c.2236A>T, p.Thr746Ser (NM_001282224.2); c.2470A>T (NM_000052.4); short protein forms T824S, T746S.
Identifiers: ClinVar variation 2935085 (VCV002935085.4), dbSNP rs2522359081, ClinGen allele CA413600039.

ClinVar aggregate classification (germline): Uncertain significance. Review status: criteria provided, multiple submitters, no conflicts (2 of 4 stars). 2 submissions from 2 submitters: Uncertain significance (2). Last evaluated 2024-06-13.

Conditions:
Menkes kinky-hair syndrome (MNK). Also called: Copper transport disease; Menkes Disease; Classic Menkes Disease. Identifiers: Orphanet 565, MedGen C0022716, MONDO:0010651, OMIM 309400.
Cutis laxa, X-linked (OHS). Also called: EDS IX; Occipital horn syndrome. Identifiers: Orphanet 198, MedGen C0268353, MONDO:0010572, OMIM 304150.
X-linked distal spinal muscular atrophy type 3. Also called: ATP7A-Related Distal Motor Neuropathy; SPINAL MUSCULAR ATROPHY, DISTAL, X-LINKED RECESSIVE; NEURONOPATHY, DISTAL HEREDITARY MOTOR, X-LINKED; NEUROPATHY, DISTAL HEREDITARY MOTOR, X-LINKED. Identifiers: Orphanet 139557, MedGen C1845359, MONDO:0010338, OMIM 300489.

Submissions (2):

GeneDx
Classification: Uncertain significance. Last evaluated: 2024-06-13. Review status: criteria provided, single submitter. Criteria: GeneDx Variant Classification Process June 2021. Collection method: clinical testing. Allele origin: germline. Affected: yes.
Comment: Not observed at significant frequency in large population cohorts (gnomAD); In silico analysis indicates that this missense variant does not alter protein structure/function; Has not been previously published as pathogenic or benign to our knowledge

Labcorp Genetics (formerly Invitae), Labcorp
Classification: Uncertain significance for X-linked distal spinal muscular atrophy type 3; Cutis laxa, X-linked; Menkes kinky-hair syndrome. Last evaluated: 2023-04-10. Review status: criteria provided, single submitter. Criteria: Invitae Variant Classification Sherloc (09022015). Collection method: clinical testing. Allele origin: germline.
Comment: In summary, the available evidence is currently insufficient to determine the role of this variant in disease. Therefore, it has been classified as a Variant of Uncertain Significance. Advanced modeling of protein sequence and biophysical properties (such as structural, functional, and spatial information, amino acid conservation, physicochemical variation, residue mobility, and thermodynamic stability) performed at Invitae indicates that this missense variant is not expected to disrupt ATP7A protein function. This variant has not been reported in the literature in individuals affected with ATP7A-related conditions. This variant is not present in population databases (gnomAD no frequency). This sequence change replaces threonine, which is neutral and polar, with serine, which is neutral and polar, at codon 824 of the ATP7A protein (p.Thr824Ser).